The following is an entry in ClinVar:

ClinVar aggregate classification (germline): Uncertain significance (1 of 4 stars; one submission).

Conditions:
COL9A1-related disorder. Also called: COL9A1-related disorders; COL9A1-related condition.

Allele frequency attached by ClinVar (database versions not stated): gnomAD exomes below 0.00001; TOPMed 0.00001.
gnomAD v4.1: 2 of 1,613,594 alleles (0.00012%); highest among the groups gnomAD compares: East Asian, 0.0045%; no homozygotes.

Submission:

PreventionGenetics, part of Exact Sciences
Classification: Uncertain significance for COL9A1-related condition. Last evaluated: 2022-10-16. Review status: criteria provided, single submitter. Criteria: ACMG Guidelines, 2015. Collection method: clinical testing. Allele origin: germline.
Comment: The COL9A1 c.154G>C variant is predicted to result in the amino acid substitution p.Asp52His. To our knowledge, this variant has not been reported in the literature. This variant is reported in 0.011% of alleles in individuals of East Asian descent in gnomAD. At this time, the clinical significance of this variant is uncertain due to the absence of conclusive functional and genetic evidence.

NM_001851.6(COL9A1):c.154G>C (p.Asp52His)

Gene: COL9A1 (collagen type IX alpha 1 chain; minus strand). Cytogenetic location: 6q13.
Variant type: single nucleotide variant.
Coding change: c.154G>C on transcript NM_001851.6 (MANE Select); coding-DNA position 154, G replaced by C.
Protein change: p.Asp52His; replaces aspartic acid 52 with histidine.
Molecular consequence: missense variant.
Genome position (GRCh38, 1-based): chr6:70,300,321, C>G on the plus strand (G>C on the coding strand, the complement: COL9A1 is on the minus strand). VCF-style: chr6-70300321-C-G. GRCh37 (hg19) VCF-style: chr6-71010024-C-G.
Other names: c.154G>C, p.Asp52His (NM_001377291.1); short protein forms D52H.
Identifiers: ClinVar variation 2637121 (VCV002637121.1), dbSNP rs1431247453, ClinGen allele CA364675031.